The following is an entry in ClinVar:

ClinVar aggregate classification (germline): Likely pathogenic (1 of 4 stars; one submission).

Conditions:
Gaucher disease. Also called: Acute cerebral Gaucher disease; Cerebroside lipidosis syndrome; Gaucher splenomegaly; Sphingolipidosis 1; Glucocerebrosidosis; Glucosylceramidase deficiency. Identifiers: Orphanet 355, MedGen C0017205, MONDO:0018150.

Submission:

Natera, Inc.
Classification: Likely pathogenic for Gaucher disease. Last evaluated: 2025-02-03. Review status: criteria provided, single submitter. Criteria: Natera Variant Classification Schema (03/2026). Collection method: clinical testing. Allele origin: germline.
Comment: The c.876delT variant in GBA1 is a frameshift variant predicted to shift the reading frame beginning at codon 293 and leads to a stop codon 11 codons downstream. This variant is expected to result in nonsense mediated decay, truncation, or a dysfunctional protein product. This variant is rare in the general population with a frequency below the threshold expected for the associated phenotype(s). Given the available evidence, this variant is classified as Likely Pathogenic.

NM_000157.4(GBA1):c.876del (p.Glu293fs)

Genes: GBA1 (glucosylceramidase beta 1; minus strand), LOC106627981 (GBA recombination region; plus strand). Cytogenetic location: 1q22.
Variant type: Deletion.
Coding change: c.876del on transcript NM_000157.4 (MANE Select); coding-DNA position 876, one base deleted (T; older notation c.876delT).
Protein change: p.Glu293fs; shifts the reading frame from glutamic acid 293.
Molecular consequence: frameshift variant.
Genome position (GRCh38, 1-based): chr1:155,237,464, A deleted on the plus strand (T on the coding strand, the reverse complement: GBA1 is on the minus strand). VCF-style (leftmost placement, unchanged base first): chr1-155237463-CA-C. GRCh37 (hg19) VCF-style: chr1-155207254-CA-C.
Other names: c.876del, p.Glu293fs (NM_001005741.3, NM_001005742.3); c.615del, p.Glu206fs (NM_001171811.2); c.729del, p.Glu244fs (NM_001171812.2); short protein forms E206fs, E244fs, E293fs.
Identifiers: ClinVar variation 4817819 (VCV004817819.1).